The following is an entry in ClinVar:

ClinVar aggregate classification (germline): Pathogenic (1 of 4 stars; one submission).

Conditions:
Hereditary cancer-predisposing syndrome. Also called: Neoplastic Syndromes, Hereditary; Tumor predisposition; Hereditary Cancer Syndrome; Hereditary neoplastic syndrome. Identifiers: Orphanet 140162, MedGen C0027672, MeSH D009386, MONDO:0015356.

Submission:

Color Diagnostics, LLC DBA Color Health
Classification: Pathogenic for Hereditary cancer-predisposing syndrome. Last evaluated: 2019-11-18. Review status: criteria provided, single submitter. Criteria: ACMG Guidelines, 2015. Collection method: clinical testing. Allele origin: germline.
Comment: This variant inserts 1 nucleotide in exon 1 of the RAD51C gene, creating a frameshift and premature translation stop signal. This variant is expected to result in an absent or non-functional protein product. Splice site prediction tools suggest that this variant may not impact RNA splicing. To our knowledge, functional studies have not been performed for this variant. This variant has not been reported in individuals affected with hereditary cancer in the literature. This variant has not been identified in the general population by the Genome Aggregation Database (gnomAD). Loss of RAD51C function is a known mechanism of disease. Based on the available evidence, this variant is classified as Pathogenic.

NM_058216.3(RAD51C):c.88dup (p.Ala30fs)

Gene: RAD51C (RAD51 paralog C; plus strand). Cytogenetic location: 17q22.
Variant type: Duplication.
Coding change: c.88dup on transcript NM_058216.3 (MANE Select); coding-DNA position 88, one base duplicated (G; older notation c.88dupG).
Protein change: p.Ala30fs; shifts the reading frame from alanine 30.
Molecular consequence: frameshift variant. On other transcripts: non-coding transcript variant (1).
Genome position (GRCh38, 1-based): chr17:58,692,731, G duplicated. VCF-style (leftmost placement, unchanged base first): chr17-58692730-T-TG. GRCh37 (hg19) VCF-style: chr17-56770091-T-TG.
Other names: c.88dup, p.Ala30fs (NM_002876.4); short protein forms A30fs.
Identifiers: ClinVar variation 921835 (VCV000921835.3), dbSNP rs2047811523, ClinGen allele CA1139665722.